The following is an entry in ClinVar:

ClinVar aggregate classification (germline): Uncertain significance (1 of 4 stars; one submission).

gnomAD v4.1: 25 of 1,210,919 alleles (0.0021%); highest among the groups gnomAD compares: Admixed American, 0.0044%; no homozygotes.

Submission:

Ambry Genetics
Classification: Uncertain significance. Last evaluated: 2026-07-19. Review status: criteria provided, single submitter. Criteria: Ambry Variant Classification Scheme 2023. Collection method: clinical testing. Allele origin: germline.
Comment: The c.1132A>G (p.I378V) alteration is located in exon 13 (coding exon 13) of the NXF3 gene. This alteration results from a A to G substitution at nucleotide position 1132, causing the isoleucine (I) at amino acid position 378 to be replaced by a valine (V). Based on data from gnomAD, the G allele has an overall frequency of 0.001% (2/183290) total alleles studied. The highest observed frequency was 0.007% (2/27418) of Latino alleles. Based on insufficient or conflicting evidence, the clinical significance of this alteration remains unclear.

NM_022052.2(NXF3):c.1132A>G (p.Ile378Val)

Gene: NXF3 (nuclear RNA export factor 3; minus strand). Cytogenetic location: Xq22.1.
Variant type: single nucleotide variant.
Coding change: c.1132A>G on transcript NM_022052.2 (MANE Select); coding-DNA position 1132, A replaced by G.
Protein change: p.Ile378Val; replaces isoleucine 378 with valine.
Molecular consequence: missense variant.
Genome position (GRCh38, 1-based): chrX:103,079,791, T>C on the plus strand (A>G on the coding strand, the complement: NXF3 is on the minus strand). VCF-style: chrX-103079791-T-C. GRCh37 (hg19) VCF-style: chrX-102334719-T-C.
Other names: short protein forms I378V.
Identifiers: ClinVar variation 5025935 (VCV005025935.1).